The following is an entry in ClinVar:

NM_052854.4(CREB3L1):c.274G>A (p.Gly92Ser)

Gene: CREB3L1 (cAMP responsive element binding protein 3 like 1; plus strand). Cytogenetic location: 11p11.2.
Variant type: single nucleotide variant.
Coding change: c.274G>A on transcript NM_052854.4 (MANE Select); coding-DNA position 274, G replaced by A.
Protein change: p.Gly92Ser; replaces glycine 92 with serine.
Molecular consequence: missense variant.
Genome position (GRCh38, 1-based): chr11:46,300,106, G>A. VCF-style: chr11-46300106-G-A. GRCh37 (hg19) VCF-style: chr11-46321657-G-A.
Other names: c.274G>A (NM_052854.2); short protein forms G92S.
Identifiers: ClinVar variation 1212034 (VCV001212034.9), dbSNP rs200839792, ClinGen allele CA5961529.

ClinVar aggregate classification (germline): Conflicting classifications of pathogenicity. Review status: criteria provided, conflicting classifications (1 of 4 stars). 5 submissions from 5 submitters: Uncertain significance (4); Likely benign (1). Last evaluated 2024-11-26.

Conditions:
Inborn genetic diseases. Identifiers: MedGen C0950123, MeSH D030342.

Allele frequency attached by ClinVar (database versions not stated): 1000 Genomes Project 30x 0.00016; 1000 Genomes Project 0.00020; gnomAD exomes 0.00066; ExAC 0.00069; gnomAD 0.00073 and 0.00078; ESP Exome Variant Server 0.00087; TOPMed 0.00093.
gnomAD v4.1: 2,232 of 1,613,826 alleles (0.14%); highest among the groups gnomAD compares: Non-Finnish European, 0.17%; 9 homozygotes.

Submissions (5):

Blueprint Genetics
Classification: Likely benign. Last evaluated: 2024-11-26. Review status: criteria provided, single submitter. Criteria: ACMG Guidelines, 2015. Collection method: clinical testing. Allele origin: germline.

Labcorp Genetics (formerly Invitae), Labcorp
Classification: Uncertain significance. Last evaluated: 2022-08-06. Review status: criteria provided, single submitter. Criteria: Invitae Variant Classification Sherloc (09022015). Collection method: clinical testing. Allele origin: germline.
Comment: This sequence change replaces glycine, which is neutral and non-polar, with serine, which is neutral and polar, at codon 92 of the CREB3L1 protein (p.Gly92Ser). This variant is present in population databases (rs200839792, gnomAD 0.1%), including at least one homozygous and/or hemizygous individual. This variant has not been reported in the literature in individuals affected with CREB3L1-related conditions. ClinVar contains an entry for this variant (Variation ID: 1212034). Algorithms developed to predict the effect of missense changes on protein structure and function are either unavailable or do not agree on the potential impact of this missense change (SIFT: "Tolerated"; PolyPhen-2: "Probably Damaging"; Align-GVGD: "Class C0"). Algorithms developed to predict the effect of sequence changes on RNA splicing suggest that this variant may create or strengthen a splice site. In summary, the available evidence is currently insufficient to determine the role of this variant in disease. Therefore, it has been classified as a Variant of Uncertain Significance.

Ambry Genetics
Classification: Uncertain significance for Inborn genetic diseases. Last evaluated: 2021-07-06. Review status: criteria provided, single submitter. Criteria: Ambry Variant Classification Scheme 2023. Collection method: clinical testing. Allele origin: germline.

GeneDx
Classification: Uncertain significance. Last evaluated: 2020-02-17. Review status: criteria provided, single submitter. Criteria: GeneDx Variant Classification Process June 2021. Collection method: clinical testing. Allele origin: germline. Affected: yes.
Comment: In silico analysis, which includes protein predictors and evolutionary conservation, supports a deleterious effect; Has not been previously published as pathogenic or benign to our knowledge

Breakthrough Genomics
Classification: Uncertain significance. Review status: criteria provided, single submitter. Criteria: ACMG Guidelines, 2015. Collection method: not provided. Allele origin: germline. Inheritance: Autosomal recessive inheritance. Affected: yes.